The following is an entry in ClinVar:

NM_000097.7(CPOX):c.158C>T (p.Pro53Leu)

Genes: CPOX (coproporphyrinogen oxidase; minus strand), LOC129937121 (ATAC-STARR-seq lymphoblastoid silent region 14560; plus strand). Cytogenetic location: 3q11.2.
Variant type: single nucleotide variant.
Coding change: c.158C>T on transcript NM_000097.7 (MANE Select); coding-DNA position 158, C replaced by T.
Protein change: p.Pro53Leu; replaces proline 53 with leucine.
Molecular consequence: missense variant.
Genome position (GRCh38, 1-based): chr3:98,593,347, G>A on the plus strand (C>T on the coding strand, the complement: CPOX is on the minus strand). VCF-style: chr3-98593347-G-A. GRCh37 (hg19) VCF-style: chr3-98312191-G-A.
Other names: p.Pro53Leu; short protein forms P53L.
Identifiers: ClinVar variation 3023456 (VCV003023456.4), dbSNP rs755245204, ClinGen allele CA2511759.

ClinVar aggregate classification (germline): Uncertain significance. Review status: criteria provided, multiple submitters, no conflicts (2 of 4 stars). 2 submissions from 2 submitters: Uncertain significance (2). Last evaluated 2025-08-14.

Allele frequency attached by ClinVar (database versions not stated): TOPMed below 0.00001; gnomAD 0.00001.
gnomAD v4.1: 17 of 1,339,044 alleles (0.0013%); highest among the groups gnomAD compares: Non-Finnish European, 0.0012%; no homozygotes.

Submissions (2):

Mayo Clinic Laboratories, Mayo Clinic
Classification: Uncertain significance. Last evaluated: 2025-08-14. Review status: criteria provided, single submitter. Criteria: ACMG Guidelines, 2015. Collection method: clinical testing. Allele origin: germline. Observed: 1 variant allele.
Comment: BP4

Labcorp Genetics (formerly Invitae), Labcorp
Classification: Uncertain significance. Last evaluated: 2023-08-30. Review status: criteria provided, single submitter. Criteria: Invitae Variant Classification Sherloc (09022015). Collection method: clinical testing. Allele origin: germline.
Comment: An algorithm developed to predict the effect of missense changes on protein structure and function (PolyPhen-2) suggests that this variant is likely to be tolerated. This sequence change replaces proline, which is neutral and non-polar, with leucine, which is neutral and non-polar, at codon 53 of the CPOX protein (p.Pro53Leu). This variant is present in population databases (rs755245204, gnomAD 0.03%). This variant has not been reported in the literature in individuals affected with CPOX-related conditions. In summary, the available evidence is currently insufficient to determine the role of this variant in disease. Therefore, it has been classified as a Variant of Uncertain Significance.